The following is an entry in ClinVar:

ClinVar aggregate classification (germline): Uncertain significance (1 of 4 stars; one submission).

Conditions:
Congenital contractural arachnodactyly (CCA). Also called: BEALS SYNDROME; Beals-Hecht syndrome; Arthrogryposis, distal, type 9. Identifiers: Orphanet 115, MedGen C0220668, MONDO:0007363, OMIM 121050.

Submission:

Labcorp Genetics (formerly Invitae), Labcorp
Classification: Uncertain significance for Congenital contractural arachnodactyly. Last evaluated: 2019-03-22. Review status: criteria provided, single submitter. Criteria: Invitae Variant Classification Sherloc (09022015). Collection method: clinical testing. Allele origin: germline.
Comment: This variant has not been reported in the literature in individuals with FBN2-related conditions. This variant is not present in population databases (ExAC no frequency). This sequence change replaces glutamic acid with aspartic acid at codon 1328 of the FBN2 protein (p.Glu1328Asp). The glutamic acid residue is highly conserved and there is a small physicochemical difference between glutamic acid and aspartic acid. Algorithms developed to predict the effect of missense changes on protein structure and function are either unavailable or do not agree on the potential impact of this missense change (SIFT: "Deleterious"; PolyPhen-2: "Possibly Damaging"; Align-GVGD: "Class C0"). In summary, the available evidence is currently insufficient to determine the role of this variant in disease. Therefore, it has been classified as a Variant of Uncertain Significance.

NM_001999.4(FBN2):c.3984A>T (p.Glu1328Asp)

Gene: FBN2 (fibrillin 2; minus strand). Cytogenetic location: 5q23.3.
Variant type: single nucleotide variant.
Coding change: c.3984A>T on transcript NM_001999.4 (MANE Select); coding-DNA position 3984, A replaced by T.
Protein change: p.Glu1328Asp; replaces glutamic acid 1328 with aspartic acid.
Molecular consequence: missense variant.
Genome position (GRCh38, 1-based): chr5:128,334,834, T>A on the plus strand (A>T on the coding strand, the complement: FBN2 is on the minus strand). VCF-style: chr5-128334834-T-A. GRCh37 (hg19) VCF-style: chr5-127670526-T-A.
Other names: short protein forms E1328D.
Identifiers: ClinVar variation 836365 (VCV000836365.10), dbSNP rs1394998823, ClinGen allele CA360757244.